The following is an entry in ClinVar:

NM_138395.4(MARS2):c.1617G>T (p.Leu539=)

Gene: MARS2 (methionyl-tRNA synthetase 2, mitochondrial; plus strand). Cytogenetic location: 2q33.1.
Variant type: single nucleotide variant.
Coding change: c.1617G>T on transcript NM_138395.4 (MANE Select); coding-DNA position 1617, G replaced by T.
Protein change: p.Leu539=; no amino-acid change (leucine 539 retained).
Molecular consequence: synonymous variant.
Genome position (GRCh38, 1-based): chr2:197,707,022, G>T. VCF-style: chr2-197707022-G-T. GRCh37 (hg19) VCF-style: chr2-198571746-G-T.
Identifiers: ClinVar variation 4873150 (VCV004873150.2).
Genomic context (GRCh38, chr2:197,707,022, plus strand): 5'-CTTTGGGACTTTGCTGCAGCCTGTCACCCCAAGCCTAGCTGACAAGCTGCTGTCTAGGCT[G>T]GGGGTCTCTGCCTCAGAGAGGAGTCTTGGAGAGCTCTATTTCTTGCCTCGATTCTATGGA-3'
Protein context (NP_612404.1, residues 529-549): PSLADKLLSR[Leu539=]GVSASERSLG

ClinVar aggregate classification (germline): Likely benign (1 of 4 stars; one submission).

Submission:

CeGaT Center for Human Genetics Tuebingen
Classification: Likely benign. Last evaluated: 2026-07-01. Review status: criteria provided, single submitter. Criteria: CeGaT Center For Human Genetics Tuebingen Variant Classification Criteria Version 2. Collection method: clinical testing. Allele origin: germline. Affected: yes. Observed: 2 variant alleles.
Comment: MARS2: PM2:Supporting, BP4, BP7